The following is an entry in ClinVar:

ClinVar aggregate classification (germline): Uncertain significance (1 of 4 stars; one submission).

Conditions:
Inborn genetic diseases. Identifiers: MedGen C0950123, MeSH D030342.

Submission:

Ambry Genetics
Classification: Uncertain significance for Inborn genetic diseases. Last evaluated: 2025-04-12. Review status: criteria provided, single submitter. Criteria: Ambry Variant Classification Scheme 2023. Collection method: clinical testing. Allele origin: germline.
Comment: The p.I178V variant (also known as c.532A>G), located in coding exon 1 of the SAMD9L gene, results from an A to G substitution at nucleotide position 532. The isoleucine at codon 178 is replaced by valine, an amino acid with highly similar properties. This amino acid position is conserved. In addition, this alteration is predicted to be tolerated by in silico analysis. Based on the available evidence, the clinical significance of this variant remains unclear.

NM_152703.5(SAMD9L):c.532A>G (p.Ile178Val)

Gene: SAMD9L (sterile alpha motif domain containing 9 like; minus strand). Cytogenetic location: 7q21.2.
Variant type: single nucleotide variant.
Coding change: c.532A>G on transcript NM_152703.5 (MANE Select); coding-DNA position 532, A replaced by G.
Protein change: p.Ile178Val; replaces isoleucine 178 with valine.
Molecular consequence: missense variant.
Genome position (GRCh38, 1-based): chr7:93,135,440, T>C on the plus strand (A>G on the coding strand, the complement: SAMD9L is on the minus strand). VCF-style: chr7-93135440-T-C. GRCh37 (hg19) VCF-style: chr7-92764753-T-C.
Other names: c.532A>G, p.Ile178Val (NM_001303496.3, NM_001303497.3, NM_001303498.3 and 5 more transcripts); short protein forms I178V.
Identifiers: ClinVar variation 3949836 (VCV003949836.1).